The following is an entry in ClinVar:

ClinVar aggregate classification (germline): Conflicting classifications of pathogenicity. Review status: criteria provided, conflicting classifications (1 of 4 stars). 12 submissions from 12 submitters: Uncertain significance (7); Likely benign (3). 2 of the submissions do not count toward it. Last evaluated 2026-08-01.

Conditions:
Autoinflammatory syndrome. Identifiers: Orphanet 93665, MedGen C3890737, MONDO:0019751.
Familial Mediterranean fever (FMF). Also called: POLYSEROSITIS, FAMILIAL PAROXYSMAL; POLYSEROSITIS, RECURRENT; Periodic peritonitis; Benign paroxysmal peritonitis. Identifiers: Orphanet 342, MedGen C0031069, MONDO:0018088, OMIM 249100. Disease mechanism: gain of function.

Allele frequency attached by ClinVar (database versions not stated): gnomAD exomes 0.00024 and 0.00057; ESP Exome Variant Server 0.00031; gnomAD 0.00032 and 0.00037; TOPMed 0.00036; ExAC 0.00074.
gnomAD v4.1: 406 of 1,613,872 alleles (0.025%); highest among the groups gnomAD compares: South Asian, 0.26%; 2 homozygotes.

Submissions (12):

CeGaT Center for Human Genetics Tuebingen
Classification: Likely benign. Last evaluated: 2026-08-01. Review status: criteria provided, single submitter. Criteria: CeGaT Center For Human Genetics Tuebingen Variant Classification Criteria Version 2. Collection method: clinical testing. Allele origin: germline. Affected: yes. Observed: 1 variant allele.
Comment: MEFV: BP4

Women's Health and Genetics/Laboratory Corporation of America, LabCorp
Classification: Uncertain significance. Last evaluated: 2026-02-12. Review status: criteria provided, single submitter. Criteria: LabCorp Variant Classification Summary - May 2015. Collection method: clinical testing. Allele origin: germline.
Comment: Variant summary: MEFV c.926C>T (p.Thr309Met) results in a non-conservative amino acid change in the encoded protein sequence. Algorithms developed to predict the effect of missense changes on protein structure and function are either unavailable or do not agree on the potential impact of this missense change. The variant allele was found at a frequency of 0.00057 in 247628 control chromosomes, predominantly at a frequency of 0.0028 within the South Asian subpopulation in the gnomAD database, including 1 homozygotes. This frequency is not significantly higher than estimated for disease-causing variants in MEFV, allowing no conclusion about variant significance. c.926C>T has been reported in the literature in patients affected with Familial Mediterranean Fever (Chandrakasan_2014), unclassified monogenic auto inflammtory disease (Omoyinmi_2017) and adult onset Still's disease (Sighart_2017) . These report(s) do not provide unequivocal conclusions about association of the variant with Familial Mediterranean Fever. At least one publication reports experimental evidence evaluating protein function and classified the variant as likely benign (Bronnec_2026). The following publications have been ascertained in the context of this evaluation (PMID: 31411330, 19790133, 24233262, 28750028, 29159471, 41335224). ClinVar contains an entry for this variant (Variation ID: 97554). Based on the evidence outlined above, the variant was classified as uncertain significance.

Labcorp Genetics (formerly Invitae), Labcorp
Classification: Likely benign for Familial Mediterranean fever. Last evaluated: 2026-01-28. Review status: criteria provided, single submitter. Criteria: Invitae Variant Classification Sherloc (09022015). Collection method: clinical testing. Allele origin: germline.

Dasa
Classification: Uncertain significance. Last evaluated: 2025-04-06. Review status: criteria provided, single submitter. Criteria: DASA Assertion Criteria. Collection method: clinical testing. Allele origin: germline.
Comment: NM_000243.3(MEFV):c.926C>T (p.Thr309Met) is a missense variant that results in the substitution of threonine with methionine. This variant is rare in population databases. Computational prediction algorithms are consistent with a benign effect. The currently available literature and clinical evidence are not sufficient to establish a definitive association between this variant and the reported condition. Therefore, this variant is classified as a variant of uncertain significance.

ARUP Laboratories, Molecular Genetics and Genomics, ARUP Laboratories
Classification: Uncertain significance. Last evaluated: 2025-02-13. Review status: criteria provided, single submitter. Criteria: ARUP Molecular Germline Variant Investigation Process 2024. Collection method: clinical testing. Allele origin: germline.
Comment: The MEFV c.926C>T; p.Thr309Met variant (rs104895155, ClinVar Variation ID: 97554) is reported in the literature in individuals affected with periodic fever syndromes (Chandrakasan 2014, Infevers database). This variant has also been observed in individuals with autoinflammatory symptoms without a definitive association with disease (Omoyinmi 2017, Sighart 2018). This variant is found in the South Asian population with an allele frequency of 0.28% (85/30,576 alleles, including one homozygote) in the Genome Aggregation Database (v2.1.1). Computational analyses are uncertain whether this variant is neutral or deleterious (REVEL: 0.308). Due to limited information, the clinical significance of this variant is uncertain at this time. References: Infevers database: Chandrakasan S et al. Clinical and genetic profile of children with periodic fever syndromes from a single medical center in South East Michigan. J Clin Immunol. 2014 Jan;34(1):104-13. PMID: 24233262. Omoyinmi E et al. Clinical impact of a targeted next-generation sequencing gene panel for autoinflammation and vasculitis. PLoS One. 2017 Jul 27;12(7):e0181874. PMID: 28750028. Sighart R et al. Evidence for genetic overlap between adult onset Still's disease and hereditary periodic fever syndromes. Rheumatol Int. 2018 Jan;38(1):111-120. PMID: 29159471.

Blueprint Genetics
Classification: Uncertain significance. Last evaluated: 2024-09-21. Review status: criteria provided, single submitter. Criteria: ACMG Guidelines, 2015. Collection method: clinical testing. Allele origin: germline.

Genome Diagnostics Laboratory, The Hospital for Sick Children
Classification: Uncertain significance for Autoinflammatory syndrome. Last evaluated: 2021-11-26. Review status: criteria provided, single submitter. Criteria: ACMG Guidelines, 2015. Collection method: clinical testing. Allele origin: germline. Affected: yes.

Genome-Nilou Lab
Classification: Uncertain significance for Familial Mediterranean fever. Last evaluated: 2021-05-18. Review status: criteria provided, single submitter. Criteria: ACMG Guidelines, 2015. Collection method: clinical testing. Allele origin: germline. Affected: no.

Mendelics
Classification: Uncertain significance for Familial Mediterranean fever. Last evaluated: 2019-05-28. Review status: criteria provided, single submitter. Criteria: Mendelics Assertion Criteria 2017. Collection method: clinical testing. Allele origin: unknown.

GeneDx
Classification: Likely benign. Last evaluated: 2018-03-19. Review status: criteria provided, single submitter. Criteria: GeneDx Variant Classification Process June 2021. Collection method: clinical testing. Allele origin: germline. Affected: yes.
Comment: This variant is associated with the following publications: (PMID: 24233262, 29159471)

Molecular Genetics Laboratory, BC Children's and BC Women's Hospitals
Classification: Uncertain significance for Familial Mediterranean fever. Last evaluated: 2024-09-24. Review status: no assertion criteria provided. Criteria: ACMG Guidelines, 2015. Collection method: clinical testing. Allele origin: germline. Affected: yes. Not counted in ClinVar's aggregate classification.

Unité médicale des maladies autoinflammatoires, CHRU Montpellier
No classification provided. Condition: Familial Mediterranean fever. Review status: no classification provided. Collection method: not provided. Allele origin: unknown. Not counted in ClinVar's aggregate classification.

Literature cited by the submitters: PubMed 19790133 (cited by Women's Health and Genetics/Laboratory Corporation of America, LabCorp); PubMed 24233262 (cited by Women's Health and Genetics/Laboratory Corporation of America, LabCorp); PubMed 31411330 (cited by Women's Health and Genetics/Laboratory Corporation of America, LabCorp); PubMed 28750028 (cited by Women's Health and Genetics/Laboratory Corporation of America, LabCorp); PubMed 29159471 (cited by Women's Health and Genetics/Laboratory Corporation of America, LabCorp); PubMed 41335224 (cited by Women's Health and Genetics/Laboratory Corporation of America, LabCorp).

NM_000243.3(MEFV):c.926C>T (p.Thr309Met)

Gene: MEFV (MEFV innate immunity regulator, pyrin; minus strand). Cytogenetic location: 16p13.3.
Variant type: single nucleotide variant.
Coding change: c.926C>T on transcript NM_000243.3 (MANE Select); coding-DNA position 926, C replaced by T.
Protein change: p.Thr309Met; replaces threonine 309 with methionine.
Molecular consequence: missense variant.
Genome position (GRCh38, 1-based): chr16:3,249,765, G>A on the plus strand (C>T on the coding strand, the complement: MEFV is on the minus strand). VCF-style: chr16-3249765-G-A. GRCh37 (hg19) VCF-style: chr16-3299765-G-A.
Other names: c.293C>T, p.Thr98Met (NM_001198536.2); short protein forms T309M, T98M.
Identifiers: ClinVar variation 97554 (VCV000097554.38), dbSNP rs104895155, ClinGen allele CA280681.